The following is an entry in ClinVar:

ClinVar aggregate classification (germline): Uncertain significance. Review status: criteria provided, multiple submitters, no conflicts (2 of 4 stars). 6 submissions from 6 submitters: Uncertain significance (4). 2 of the submissions do not count toward it. Last evaluated 2024-12-05.

Conditions:
TCTN2-related disorder. Also called: TCTN2-related disorders; TCTN2-related condition. Identifiers: MedGen CN239412.
Meckel syndrome, type 8. Identifiers: Orphanet 564, MedGen C3836857, MONDO:0013482, OMIM 613885.
Joubert syndrome 24 (JBTS24). Identifiers: Orphanet 475, MedGen C4084841, MONDO:0014724, OMIM 616654.
Joubert syndrome. Also called: Familial aplasia of the vermis; JOUBERT-BOLTSHAUSER SYNDROME. Identifiers: Orphanet 475, MedGen C5979921, MONDO:0018772.
Meckel-Gruber syndrome. Also called: Dysencephalia splachnocystica; DYSENCEPHALIA SPLANCHNOCYSTICA; GRUBER SYNDROME. Identifiers: Orphanet 564, MedGen C0265215, MONDO:0018921.

Allele frequency attached by ClinVar (database versions not stated): ESP Exome Variant Server 0.00008; TOPMed 0.00013.

Submissions (6):

Labcorp Genetics (formerly Invitae), Labcorp
Classification: Uncertain significance for Joubert syndrome; Meckel-Gruber syndrome. Last evaluated: 2024-12-05. Review status: criteria provided, single submitter. Criteria: Invitae Variant Classification Sherloc (09022015). Collection method: clinical testing. Allele origin: germline.
Comment: This sequence change replaces threonine, which is neutral and polar, with methionine, which is neutral and non-polar, at codon 224 of the TCTN2 protein (p.Thr224Met). This variant is present in population databases (rs376996387, gnomAD 0.01%). This variant has not been reported in the literature in individuals affected with TCTN2-related conditions. ClinVar contains an entry for this variant (Variation ID: 307551). An algorithm developed to predict the effect of missense changes on protein structure and function (PolyPhen-2) suggests that this variant¬¨‚Ä†is likely to be tolerated. In summary, the available evidence is currently insufficient to determine the role of this variant in disease. Therefore, it has been classified as a Variant of Uncertain Significance.

Fulgent Genetics
Classification: Uncertain significance for Meckel syndrome, type 8; Joubert syndrome 24. Last evaluated: 2024-05-14. Review status: criteria provided, single submitter. Criteria: ACMG Guidelines, 2015. Collection method: clinical testing. Allele origin: germline.

Clinical Genomics Laboratory, Stanford Medicine
Classification: Uncertain significance for Joubert syndrome 24. Last evaluated: 2022-10-24. Review status: criteria provided, single submitter. Criteria: ACMG Guidelines, 2015. Collection method: clinical testing. Allele origin: germline. Observed: 1 variant allele, 1 heterozygote.

GeneDx
Classification: Uncertain significance. Last evaluated: 2019-11-21. Review status: criteria provided, single submitter. Criteria: GeneDx Variant Classification Process June 2021. Collection method: clinical testing. Allele origin: germline. Affected: yes.
Comment: Not observed at a significant frequency in large population cohorts (Lek et al., 2016); In silico analysis, which includes protein predictors and evolutionary conservation, supports that this variant does not alter protein structure/function; Has not been previously published as pathogenic or benign to our knowledge

PreventionGenetics, part of Exact Sciences
Classification: Uncertain significance for TCTN2-related condition. Last evaluated: 2024-07-16. Review status: no assertion criteria provided. Collection method: clinical testing. Allele origin: germline. Not counted in ClinVar's aggregate classification.
Comment: The TCTN2 c.671C>T variant is predicted to result in the amino acid substitution p.Thr224Met. To our knowledge, this variant has not been reported in the literature. This variant is reported in 0.0099% of alleles in individuals of Ashkenazi Jewish descent in gnomAD. At this time, the clinical significance of this variant is uncertain due to the absence of conclusive functional and genetic evidence.

Genetic Services Laboratory, University of Chicago
Classification: Uncertain significance. Last evaluated: 2022-05-06. Review status: no assertion criteria provided. Collection method: clinical testing. Allele origin: germline. Affected: no. Not counted in ClinVar's aggregate classification.
Comment: DNA sequence analysis of the TCTN2 gene demonstrated a sequence change, c.671C>T, in exon 6 that results in an amino acid change, p.Thr224Met. This sequence change has been described in the gnomAD database with a frequency of 0.0099% in the Ashkenazi Jewish subpopulation (dbSNP rs376996387). The p.Thr224Met change affects a poorly conserved amino acid residue located in a domain of the TCTN2 protein that is known to be functional. The p.Thr224Met substitution appears to be benign using several in-silico pathogenicity prediction tools (SIFT, PolyPhen2, Align GVGD, REVEL). This sequence change does not appear to have been previously described in individuals with TCTN2-related disorders. Due to insufficient evidences and the lack of functional studies, the clinical significance of the p.Thr224Met change remains unknown at this time.

NM_024809.5(TCTN2):c.671C>T (p.Thr224Met)

Gene: TCTN2 (tectonic family member 2; plus strand). Cytogenetic location: 12q24.31.
Variant type: single nucleotide variant.
Coding change: c.671C>T on transcript NM_024809.5 (MANE Select); coding-DNA position 671, C replaced by T.
Protein change: p.Thr224Met; replaces threonine 224 with methionine.
Molecular consequence: missense variant.
Genome position (GRCh38, 1-based): chr12:123,686,942, C>T. VCF-style: chr12-123686942-C-T. GRCh37 (hg19) VCF-style: chr12-124171489-C-T.
Other names: c.668C>T, p.Thr223Met (NM_001143850.3); short protein forms T224M, T223M.
Identifiers: ClinVar variation 307551 (VCV000307551.14), dbSNP rs376996387, ClinGen allele CA6860958.
Genomic context (GRCh38, chr12:123,686,942, plus strand): 5'-CCGGCGTGTTTGGAGGAGACGTCAATCCTCCTTTTGATCAGCTCTGCTCTGCTGGGACGA[C>T]GACACGTGGTGTCCCCGATTGGTTTCCCTTTCTGTGTGTGCAGTCCCCCCTTGCCAACAC-3'
Protein context (NP_079085.2, residues 214-234): PFDQLCSAGT[Thr224Met]TRGVPDWFPF